The following is an entry in ClinVar:

NM_005422.4(TECTA):c.3098G>T (p.Arg1033Leu)

Genes: TBCEL-TECTA (TBCEL-TECTA readthrough; plus strand), TECTA (tectorin alpha; plus strand). Cytogenetic location: 11q23.3.
Variant type: single nucleotide variant.
Coding change: c.3098G>T on transcript NM_005422.4 (MANE Select); coding-DNA position 3098, G replaced by T.
Protein change: p.Arg1033Leu; replaces arginine 1033 with leucine.
Molecular consequence: missense variant.
Genome position (GRCh38, 1-based): chr11:121,137,577, G>T. VCF-style: chr11-121137577-G-T. GRCh37 (hg19) VCF-style: chr11-121008286-G-T.
Other names: c.4055G>T, p.Arg1352Leu (NM_001378761.1); short protein forms R1033L, R1352L.
Identifiers: ClinVar variation 3634408 (VCV003634408.2).

ClinVar aggregate classification (germline): Uncertain significance (1 of 4 stars; one submission).

Submission:

Labcorp Genetics (formerly Invitae), Labcorp
Classification: Uncertain significance. Last evaluated: 2024-06-08. Review status: criteria provided, single submitter. Criteria: Invitae Variant Classification Sherloc (09022015). Collection method: clinical testing. Allele origin: germline.
Comment: This sequence change replaces arginine, which is basic and polar, with leucine, which is neutral and non-polar, at codon 1033 of the TECTA protein (p.Arg1033Leu). This variant is not present in population databases (gnomAD no frequency). This variant has not been reported in the literature in individuals affected with TECTA-related conditions. Advanced modeling of protein sequence and biophysical properties (such as structural, functional, and spatial information, amino acid conservation, physicochemical variation, residue mobility, and thermodynamic stability) performed at Invitae indicates that this missense variant is not expected to disrupt TECTA protein function with a negative predictive value of 95%. In summary, the available evidence is currently insufficient to determine the role of this variant in disease. Therefore, it has been classified as a Variant of Uncertain Significance.